The following is an entry in ClinVar:

NC_000009.11:g.(?_133333768)_(133333996_?)del

Gene: ASS1 (argininosuccinate synthase 1; plus strand). Cytogenetic location: 9q34.11.
Variant type: Deletion.
Identifiers: ClinVar variation 1071505 (VCV001071505.2).

ClinVar aggregate classification (germline): Pathogenic (1 of 4 stars; one submission).

Conditions:
Citrullinemia. Identifiers: Orphanet 187, MedGen C0175683, MONDO:0015991.

Submission:

Labcorp Genetics (formerly Invitae), Labcorp
Classification: Pathogenic for Citrullinemia. Last evaluated: 2022-11-03. Review status: criteria provided, single submitter. Criteria: Invitae Variant Classification Sherloc (09022015). Collection method: clinical testing. Allele origin: germline.
Comment: This variant is a gross deletion of the genomic region encompassing exon(s) 5 of the ASS1 gene. This variant would be expected to be in-frame, preserving the integrity of the reading frame. A similar copy number variant has been observed in individuals with citrullinemia type I (PMID: 2615645). For these reasons, this variant has been classified as Pathogenic.

Literature cited by the submitters: PubMed 2615645.